The following is an entry in ClinVar:

ClinVar aggregate classification (germline): Likely benign (0 of 4 stars; one submission).

Conditions:
AFF4-related disorder. Also called: AFF4-related condition.

Allele frequency attached by ClinVar (database versions not stated): ExAC 0.00001; gnomAD exomes 0.00002; gnomAD 0.00004; TOPMed 0.00005.
gnomAD v4.1: 29 of 1,614,092 alleles (0.0018%); highest among the groups gnomAD compares: African/African-American, 0.0027%; no homozygotes.

Submission:

PreventionGenetics, part of Exact Sciences
Classification: Likely benign for AFF4-related condition. Last evaluated: 2023-03-10. Review status: no assertion criteria provided. Collection method: clinical testing. Allele origin: germline.
Comment: This variant is classified as likely benign based on ACMG/AMP sequence variant interpretation guidelines (Richards et al. 2015 PMID: 25741868, with internal and published modifications).

NM_014423.4(AFF4):c.1467C>T (p.Ala489=)

Gene: AFF4 (ALF transcription elongation factor 4; minus strand). Cytogenetic location: 5q31.1.
Variant type: single nucleotide variant.
Coding change: c.1467C>T on transcript NM_014423.4 (MANE Select); coding-DNA position 1467, C replaced by T.
Protein change: p.Ala489=; no amino-acid change (alanine 489 retained).
Molecular consequence: synonymous variant.
Genome position (GRCh38, 1-based): chr5:132,897,163, G>A on the plus strand (C>T on the coding strand, the complement: AFF4 is on the minus strand). VCF-style: chr5-132897163-G-A. GRCh37 (hg19) VCF-style: chr5-132232855-G-A.
Identifiers: ClinVar variation 3032555 (VCV003032555.2), dbSNP rs765468270, ClinGen allele CA3409088.